The following is an entry in ClinVar:

NM_012203.2(GRHPR):c.333dup (p.Ala112fs)

Gene: GRHPR (glyoxylate and hydroxypyruvate reductase; plus strand). Cytogenetic location: 9p13.2.
Variant type: Duplication.
Coding change: c.333dup on transcript NM_012203.2 (MANE Select); coding-DNA position 333, one base duplicated (C; older notation c.333dupC).
Protein change: p.Ala112fs; shifts the reading frame from alanine 112.
Molecular consequence: frameshift variant.
Genome position (GRCh38, 1-based): chr9:37,426,583, C duplicated; the last of 2 consecutive C bases (chr9:37,426,582-37,426,583); duplicating either gives the same sequence. VCF-style (leftmost placement, unchanged base first): chr9-37426581-A-AC. GRCh37 (hg19) VCF-style: chr9-37426578-A-AC.
Other names: short protein forms A112fs.
Identifiers: ClinVar variation 5011879 (VCV005011879.1).

ClinVar aggregate classification (germline): Pathogenic (1 of 4 stars; one submission).

Conditions:
Primary hyperoxaluria, type II (HP2). Also called: D-GLYCERATE DEHYDROGENASE DEFICIENCY; GLYCERIC ACIDURIA; GLYOXYLATE REDUCTASE/HYDROXYPYRUVATE REDUCTASE DEFICIENCY; OXALOSIS II; Primary hyperoxaluria type 2. Identifiers: Orphanet 416, Orphanet 93599, MedGen C0268165, MONDO:0009824, OMIM 260000. Disease mechanism: loss of function.

Submission:

Myriad Genetics, Inc.
Classification: Pathogenic for Primary hyperoxaluria, type II. Last evaluated: 2023-09-27. Review status: criteria provided, single submitter. Criteria: Myriad Autosomal Dominant, Autosomal Recessive and X-Linked Classification Criteria (2023). Collection method: clinical testing. Allele origin: unknown.
Comment: NM_012203.1(GRHPR):c.333dupC(A112Rfs*79) is expected to be pathogenic in the context of primary hyperoxaluria type 2. This variant is predicted to lead to an abnormal or absent protein product due to the creation of a premature termination codon in GRHPR, a gene where loss-of-function variants are known to be pathogenic. Please note: this variant was assessed in the context of healthy population screening.